The following is an entry in ClinVar:

ClinVar aggregate classification (germline): Benign/Likely benign. Review status: criteria provided, multiple submitters, no conflicts (2 of 4 stars). 3 submissions from 3 submitters: Benign (1); Likely benign (2). Last evaluated 2025-09-02.

Conditions:
NR3C2-related disorder. Also called: NR3C2-related disorders; NR3C2-related condition.
Autosomal dominant pseudohypoaldosteronism type 1. Also called: Pseudohypoaldosteronism, Type I, Autosomal Dominant; PHA I, AUTOSOMAL DOMINANT; Pseudohypoaldosteronism, Type I, Dominant. Identifiers: Orphanet 171871, Orphanet 756, MedGen C1449842, MONDO:0008329, OMIM 177735.

Allele frequency attached by ClinVar (database versions not stated): gnomAD 0.00015 and 0.00024; TOPMed 0.00032; 1000 Genomes Project 0.00040; ExAC 0.00062; 1000 Genomes Project 30x 0.00078; ESP Exome Variant Server 0.00046; gnomAD exomes 0.00046 and 0.00058.
gnomAD v4.1: 710 of 1,614,234 alleles (0.044%); highest among the groups gnomAD compares: South Asian, 0.34%; 3 homozygotes.

Submissions (3):

Labcorp Genetics (formerly Invitae), Labcorp
Classification: Likely benign. Last evaluated: 2025-09-02. Review status: criteria provided, single submitter. Criteria: Invitae Variant Classification Sherloc (09022015). Collection method: clinical testing. Allele origin: germline.

PreventionGenetics, part of Exact Sciences
Classification: Likely benign for NR3C2-related condition. Last evaluated: 2025-03-13. Review status: criteria provided, single submitter. Criteria: ACMG Guidelines, 2015. Collection method: clinical testing. Allele origin: germline.
Comment: This variant is classified as likely benign based on ACMG/AMP sequence variant interpretation guidelines (Richards et al. 2015 PMID: 25741868, with internal and published modifications).

Illumina Laboratory Services, Illumina
Classification: Benign for Autosomal dominant pseudohypoaldosteronism type 1. Last evaluated: 2018-01-13. Review status: criteria provided, single submitter. Criteria: ICSL Variant Classification Criteria 13 December 2019. Collection method: clinical testing. Allele origin: germline.
Comment: This variant was observed in the ICSL laboratory as part of a predisposition screen in an ostensibly healthy population. It had not been previously curated by ICSL or reported in the Human Gene Mutation Database (HGMD: prior to June 1st, 2018), and was therefore a candidate for classification through an automated scoring system. Utilizing variant allele frequency, disease prevalence and penetrance estimates, and inheritance mode, an automated score was calculated to assess if this variant is too frequent to cause the disease. Based on the score and internal cut-off values, a variant classified as benign is not then subjected to further curation. The score for this variant resulted in a classification of benign for this disease.

NM_000901.5(NR3C2):c.1705A>G (p.Arg569Gly)

Gene: NR3C2 (nuclear receptor subfamily 3 group C member 2; minus strand). Cytogenetic location: 4q31.23.
Variant type: single nucleotide variant.
Coding change: c.1705A>G on transcript NM_000901.5 (MANE Select); coding-DNA position 1705, A replaced by G.
Protein change: p.Arg569Gly; replaces arginine 569 with glycine.
Molecular consequence: missense variant. On other transcripts: non-coding transcript variant (1).
Genome position (GRCh38, 1-based): chr4:148,435,156, T>C on the plus strand (A>G on the coding strand, the complement: NR3C2 is on the minus strand). VCF-style: chr4-148435156-T-C. GRCh37 (hg19) VCF-style: chr4-149356308-T-C.
Other names: c.1705A>G, p.Arg569Gly (NM_001166104.2, NM_001354819.1); short protein forms R569G.
Identifiers: ClinVar variation 347728 (VCV000347728.13), dbSNP rs61759976, ClinGen allele CA3100255.